The following is an entry in ClinVar:

NM_000264.5(PTCH1):c.1068-13_1068-12delinsTT

Gene: PTCH1 (patched 1; minus strand). Cytogenetic location: 9q22.32.
Variant type: Indel.
Coding change: c.1068-13_1068-12delinsTT on transcript NM_000264.5 (MANE Select); 13 bases into the intron before coding-DNA position 1068 through 12 bases into the intron before coding-DNA position 1068, GA replaced by TT.
Molecular consequence: intron variant.
Genome position (GRCh38, 1-based): chr9:95,479,159-95,479,160, TC replaced by AA on the plus strand (GA replaced by TT on the coding strand, the reverse complement: PTCH1 is on the minus strand). VCF-style: chr9-95479159-TC-AA. GRCh37 (hg19) VCF-style: chr9-98241441-TC-AA.
Other names: c.1065-13_1065-12delinsTT (NM_001083603.3); c.870-13_870-12delinsTT (NM_001083602.3); c.1068-13_1068-12delinsTT (NM_001354918.2); c.615-13_615-12delinsTT (NM_001083605.3, NM_001083604.3, NM_001083606.3 and 1 more transcripts).
Identifiers: ClinVar variation 3603415 (VCV003603415.2).

ClinVar aggregate classification (germline): Uncertain significance (1 of 4 stars; one submission).

Conditions:
Gorlin syndrome. Also called: Basal cell nevus syndrome; Nevoid Basal Cell Carcinoma Syndrome. Identifiers: Orphanet 377, MedGen C0004779, MONDO:0007187.

Submission:

Labcorp Genetics (formerly Invitae), Labcorp
Classification: Uncertain significance for Gorlin syndrome. Last evaluated: 2024-04-17. Review status: criteria provided, single submitter. Criteria: Invitae Variant Classification Sherloc (09022015). Collection method: clinical testing. Allele origin: germline.
Comment: This sequence change falls in intron 7 of the PTCH1 gene. It does not directly change the encoded amino acid sequence of the PTCH1 protein. Information on the frequency of this variant in the gnomAD database is not available, as this variant may be reported differently in the database. This variant has not been reported in the literature in individuals affected with PTCH1-related conditions. Experimental studies and prediction algorithms are not available or were not evaluated, and the effect of this variant on mRNA splicing is currently unknown. In summary, the available evidence is currently insufficient to determine the role of this variant in disease. Therefore, it has been classified as a Variant of Uncertain Significance.